The following is an entry in ClinVar:

NM_001378454.1(ALMS1):c.1856C>T (p.Ser619Phe)

Gene: ALMS1 (ALMS1 centrosome and basal body associated protein; plus strand). Cytogenetic location: 2p13.1.
Variant type: single nucleotide variant.
Coding change: c.1856C>T on transcript NM_001378454.1 (MANE Select); coding-DNA position 1856, C replaced by T.
Protein change: p.Ser619Phe; replaces serine 619 with phenylalanine.
Molecular consequence: missense variant.
Genome position (GRCh38, 1-based): chr2:73,448,383, C>T. VCF-style: chr2-73448383-C-T. GRCh37 (hg19) VCF-style: chr2-73675510-C-T.
Other names: c.1859C>T, p.Ser620Phe (NM_015120.4); short protein forms S619F, S620F.
Identifiers: ClinVar variation 1363871 (VCV001363871.7), dbSNP rs377341653, ClinGen allele CA1713232.

ClinVar aggregate classification (germline): Conflicting classifications of pathogenicity. Review status: criteria provided, conflicting classifications (1 of 4 stars). 3 submissions from 3 submitters: Uncertain significance (2); Likely benign (1). Last evaluated 2024-12-12.

Conditions:
Alstrom syndrome (ALMS). Identifiers: Orphanet 64, MedGen C0268425, MONDO:0008763, OMIM 203800.
Cardiovascular phenotype. Identifiers: MedGen CN230736.

Allele frequency attached by ClinVar (database versions not stated): gnomAD exomes below 0.00001 and 0.00001; ExAC 0.00001; TOPMed 0.00001; gnomAD 0.00003; ESP Exome Variant Server 0.00008; 1000 Genomes Project 30x 0.00016; 1000 Genomes Project 0.00020.
gnomAD v4.1: 7 of 1,614,102 alleles (0.00043%); highest among the groups gnomAD compares: African/African-American, 0.0093%; no homozygotes.

Submissions (3):

Ambry Genetics
Classification: Likely benign for Cardiovascular phenotype. Last evaluated: 2024-12-12. Review status: criteria provided, single submitter. Criteria: Ambry Variant Classification Scheme 2023. Collection method: clinical testing. Allele origin: germline.

Labcorp Genetics (formerly Invitae), Labcorp
Classification: Uncertain significance for Alstrom syndrome. Last evaluated: 2022-06-22. Review status: criteria provided, single submitter. Criteria: Invitae Variant Classification Sherloc (09022015). Collection method: clinical testing. Allele origin: germline.
Comment: This sequence change replaces serine, which is neutral and polar, with phenylalanine, which is neutral and non-polar, at codon 620 of the ALMS1 protein (p.Ser620Phe). This variant is present in population databases (rs377341653, gnomAD 0.02%). This variant has not been reported in the literature in individuals affected with ALMS1-related conditions. Experimental studies and prediction algorithms are not available or were not evaluated, and the functional significance of this variant is currently unknown. In summary, the available evidence is currently insufficient to determine the role of this variant in disease. Therefore, it has been classified as a Variant of Uncertain Significance.

Fulgent Genetics
Classification: Uncertain significance for Alstrom syndrome. Last evaluated: 2021-12-21. Review status: criteria provided, single submitter. Criteria: ACMG Guidelines, 2015. Collection method: clinical testing. Allele origin: unknown.